The following is an entry in ClinVar:

NM_153610.5(CMYA5):c.4943A>G (p.Gln1648Arg)

Gene: CMYA5 (cardiomyopathy associated 5; plus strand). Cytogenetic location: 5q14.1.
Variant type: single nucleotide variant.
Coding change: c.4943A>G on transcript NM_153610.5 (MANE Select); coding-DNA position 4943, A replaced by G.
Protein change: p.Gln1648Arg; replaces glutamine 1648 with arginine.
Molecular consequence: missense variant.
Genome position (GRCh38, 1-based): chr5:79,733,708, A>G. VCF-style: chr5-79733708-A-G. GRCh37 (hg19) VCF-style: chr5-79029531-A-G.
Other names: short protein forms Q1648R.
Identifiers: ClinVar variation 770544 (VCV000770544.28), dbSNP rs115952199, ClinGen allele CA3322029.
Genomic context (GRCh38, chr5:79,733,708, plus strand): 5'-CACACCAACCGTTGGAATTACCAAATGCTGGGTCAGAATTTTCTAGTGATTTAGGTAGAC[A>G]AAGTGGATCCATAGGTACAAAACAAGCAAAGTCTCCCATAACTGAAACAGAGGATTCTGT-3'
Protein context (NP_705838.3, residues 1638-1658): GSEFSSDLGR[Gln1648Arg]SGSIGTKQAK

ClinVar aggregate classification (germline): Likely benign. Review status: criteria provided, multiple submitters, no conflicts (2 of 4 stars). 3 submissions from 3 submitters: Likely benign (3). Last evaluated 2022-12-01.

Allele frequency attached by ClinVar (database versions not stated): 1000 Genomes Project 30x 0.00141; 1000 Genomes Project 0.00160; ExAC 0.00447; gnomAD 0.00449 and 0.00455; TOPMed 0.00473; gnomAD exomes 0.00493 and 0.00598; ESP Exome Variant Server 0.00639.
gnomAD v4.1: 9,531 of 1,613,870 alleles (0.59%); highest among the groups gnomAD compares: Non-Finnish European, 0.66%; 40 homozygotes.

Submissions (3):

CeGaT Center for Human Genetics Tuebingen
Classification: Likely benign. Last evaluated: 2022-12-01. Review status: criteria provided, single submitter. Criteria: CeGaT Center For Human Genetics Tuebingen Variant Classification Criteria Version 2. Collection method: clinical testing. Allele origin: germline. Affected: yes. Observed: 1 variant allele.
Comment: CMYA5: BP4, BS2

Labcorp Genetics (formerly Invitae), Labcorp
Classification: Likely benign. Last evaluated: 2018-06-26. Review status: criteria provided, single submitter. Criteria: Invitae Variant Classification Sherloc (09022015). Collection method: clinical testing. Allele origin: germline.

Breakthrough Genomics
Classification: Likely benign. Review status: criteria provided, single submitter. Criteria: ACMG Guidelines, 2015. Collection method: not provided. Allele origin: germline. Inheritance: Unknown mechanism. Affected: yes.